The following is an entry in ClinVar:

NM_173689.7(CRB2):c.2522C>T (p.Thr841Met)

Gene: CRB2 (crumbs cell polarity complex component 2; plus strand). Cytogenetic location: 9q33.3.
Variant type: single nucleotide variant.
Coding change: c.2522C>T on transcript NM_173689.7 (MANE Select); coding-DNA position 2522, C replaced by T.
Protein change: p.Thr841Met; replaces threonine 841 with methionine.
Molecular consequence: missense variant. On other transcripts: non-coding transcript variant (1).
Genome position (GRCh38, 1-based): chr9:123,372,262, C>T. VCF-style: chr9-123372262-C-T. GRCh37 (hg19) VCF-style: chr9-126134541-C-T.
Other names: short protein forms T841M.
Identifiers: ClinVar variation 451884 (VCV000451884.9), dbSNP rs1554784754, ClinGen allele CA374866723.
Genomic context (GRCh38, chr9:123,372,262, plus strand): 5'-CTTGCCTCGTCACCTGGAATGACTTCCACTGTACCTGCCCTGCCAATTTCACGGGGCCTA[C>T]GTGTGCCCAGCAGCTGTGGTGTCCCGGCCAGCCCTGTCTCCCACCTGCCACGTGTGAGGA-3'
Protein context (NP_775960.4, residues 831-851): CTCPANFTGP[Thr841Met]CAQQLWCPGQ

ClinVar aggregate classification (germline): Uncertain significance. Review status: criteria provided, multiple submitters, no conflicts (2 of 4 stars). 2 submissions from 2 submitters: Uncertain significance (2). Last evaluated 2021-08-12.

Allele frequency attached by ClinVar (database versions not stated): TOPMed below 0.00001; gnomAD 0.00001; gnomAD exomes 0.00001.
gnomAD v4.1: 10 of 1,613,866 alleles (0.00062%); highest among the groups gnomAD compares: South Asian, 0.0011%; no homozygotes.

Submissions (2):

Labcorp Genetics (formerly Invitae), Labcorp
Classification: Uncertain significance. Last evaluated: 2021-08-12. Review status: criteria provided, single submitter. Criteria: Invitae Variant Classification Sherloc (09022015). Collection method: clinical testing. Allele origin: germline.
Comment: This sequence change replaces threonine with methionine at codon 841 of the CRB2 protein (p.Thr841Met). The threonine residue is highly conserved and there is a moderate physicochemical difference between threonine and methionine. This variant is not present in population databases (ExAC no frequency). This variant has not been reported in the literature in individuals with CRB2-related conditions. ClinVar contains an entry for this variant (Variation ID: 451884). Algorithms developed to predict the effect of missense changes on protein structure and function (SIFT, PolyPhen-2, Align-GVGD) all suggest that this variant is likely to be disruptive, but these predictions have not been confirmed by published functional studies and their clinical significance is uncertain. In summary, the available evidence is currently insufficient to determine the role of this variant in disease. Therefore, it has been classified as a Variant of Uncertain Significance.

GeneDx
Classification: Uncertain significance. Last evaluated: 2017-09-15. Review status: criteria provided, single submitter. Criteria: GeneDx Variant Classification (06012015). Collection method: clinical testing. Allele origin: germline. Affected: yes.
Comment: The T841M variant in the CRB2 gene has not been reported previously as a pathogenic variant, nor as a benign variant, to our knowledge. The T841M variant is not observed in large population cohorts (Lek et al., 2016; 1000 Genomes Consortium et al., 2015; Exome Variant Server). The T841M variant is a non-conservative amino acid substitution, which is likely to impact secondary protein structure as these residues differ in polarity, charge, size and/or other properties. This substitution occurs at a position that is conserved in mammals. In silico analysis is inconsistent in its predictions as to whether or not the variant is damaging to the protein structure/function. We interpret T841M as a variant of uncertain significance.